The following is an entry in ClinVar:

ClinVar aggregate classification (germline): Uncertain significance (1 of 4 stars; one submission).

Submission:

Ambry Genetics
Classification: Uncertain significance. Last evaluated: 2024-05-05. Review status: criteria provided, single submitter. Criteria: Ambry Variant Classification Scheme 2023. Collection method: clinical testing. Allele origin: germline.
Comment: The p.L2137S variant (also known as c.6410T>C), located in coding exon 21 of the POLQ gene, results from a T to C substitution at nucleotide position 6410. The leucine at codon 2137 is replaced by serine, an amino acid with dissimilar properties. This amino acid position is conserved. In addition, this alteration is predicted to be deleterious by in silico analysis. Based on the available evidence, the clinical significance of this variant remains unclear.

NM_199420.4(POLQ):c.6410T>C (p.Leu2137Ser)

Gene: POLQ (DNA polymerase theta; minus strand). Cytogenetic location: 3q13.33.
Variant type: single nucleotide variant.
Coding change: c.6410T>C on transcript NM_199420.4 (MANE Select); coding-DNA position 6410, T replaced by C.
Protein change: p.Leu2137Ser; replaces leucine 2137 with serine.
Molecular consequence: missense variant.
Genome position (GRCh38, 1-based): chr3:121,473,483, A>G on the plus strand (T>C on the coding strand, the complement: POLQ is on the minus strand). VCF-style: chr3-121473483-A-G. GRCh37 (hg19) VCF-style: chr3-121192330-A-G.
Other names: short protein forms L2137S.
Identifiers: ClinVar variation 3308668 (VCV003308668.1).